The following is an entry in ClinVar:

NM_004984.4(KIF5A):c.547G>T (p.Val183Leu)

Gene: KIF5A (kinesin family member 5A; plus strand). Cytogenetic location: 12q13.3.
Variant type: single nucleotide variant.
Coding change: c.547G>T on transcript NM_004984.4 (MANE Select); coding-DNA position 547, G replaced by T.
Protein change: p.Val183Leu; replaces valine 183 with leucine.
Molecular consequence: missense variant.
Genome position (GRCh38, 1-based): chr12:57,567,171, G>T. VCF-style: chr12-57567171-G-T. GRCh37 (hg19) VCF-style: chr12-57960954-G-T.
Other names: c.280G>T, p.Val94Leu (NM_001354705.2); short protein forms V183L, V94L.
Identifiers: ClinVar variation 989066 (VCV000989066.3), dbSNP rs2140161239, ClinGen allele CA385497791.

ClinVar aggregate classification (germline): Uncertain significance. Review status: criteria provided, multiple submitters, no conflicts (2 of 4 stars). 2 submissions from 2 submitters: Uncertain significance (2). Last evaluated 2024-10-04.

Conditions:
Spastic paraplegia. Identifiers: MedGen C0037772, HP:0001258.
Hereditary spastic paraplegia 10 (SPG10). Also called: SPASTIC PARAPLEGIA 10, AUTOSOMAL DOMINANT; SPASTIC PARAPLEGIA 10 WITH OR WITHOUT PERIPHERAL NEUROPATHY; SPASTIC PARAPLEGIA 10 WITH PERIPHERAL NEUROPATHY. Identifiers: Orphanet 100991, MedGen C1858712, MONDO:0011408, OMIM 604187.

Submissions (2):

Labcorp Genetics (formerly Invitae), Labcorp
Classification: Uncertain significance for Spastic paraplegia. Last evaluated: 2024-10-04. Review status: criteria provided, single submitter. Criteria: Invitae Variant Classification Sherloc (09022015). Collection method: clinical testing. Allele origin: germline.
Comment: This sequence change replaces valine, which is neutral and non-polar, with leucine, which is neutral and non-polar, at codon 183 of the KIF5A protein (p.Val183Leu). This variant is not present in population databases (gnomAD no frequency). This missense change has been observed in individual(s) with hereditary spastic paraplegia (PMID: 34983064). ClinVar contains an entry for this variant (Variation ID: 989066). Invitae Evidence Modeling of protein sequence and biophysical properties (such as structural, functional, and spatial information, amino acid conservation, physicochemical variation, residue mobility, and thermodynamic stability) has been performed for this missense variant. However, the output from this modeling did not meet the statistical confidence thresholds required to predict the impact of this variant on KIF5A protein function. In summary, the available evidence is currently insufficient to determine the role of this variant in disease. Therefore, it has been classified as a Variant of Uncertain Significance.

Paris Brain Institute, Inserm - ICM
Classification: Uncertain significance for Hereditary spastic paraplegia 10. Review status: criteria provided, single submitter. Criteria: ACMG Guidelines, 2015. Collection method: clinical testing. Allele origin: unknown. Affected: yes. Observed: 1 variant allele.

Literature cited by the submitters: PubMed 34983064 (cited by Labcorp Genetics (formerly Invitae), Labcorp).